The following is an entry in ClinVar:

ClinVar aggregate classification (germline): Benign/Likely benign. Review status: criteria provided, multiple submitters, no conflicts (2 of 4 stars). 7 submissions from 7 submitters: Benign (5); Likely benign (1). 1 of the submissions does not count toward it. Last evaluated 2026-02-03.

Conditions:
HTRA2-related disorder. Also called: HTRA2-related condition.
Parkinson disease 13, autosomal dominant, susceptibility to. Identifiers: Orphanet 2828, MedGen C1853202, MONDO:0012466, OMIM 610297.
3-methylglutaconic aciduria type 8. Also called: 3-methylglutaconic aciduria, type VIII. Identifiers: Orphanet 505208, MedGen C4310650, MONDO:0044723, OMIM 617248.

Allele frequency attached by ClinVar (database versions not stated): gnomAD exomes 0.00390; ExAC 0.00455; ESP Exome Variant Server 0.01279; 1000 Genomes Project 0.01498; gnomAD 0.01640 and 0.01771; 1000 Genomes Project 30x 0.01655; TOPMed 0.01828.
gnomAD v4.1: 4,859 of 1,609,758 alleles (0.3%); highest among the groups gnomAD compares: African/African-American, 5.6%; 110 homozygotes.

Submissions (7):

Labcorp Genetics (formerly Invitae), Labcorp
Classification: Benign. Last evaluated: 2026-02-03. Review status: criteria provided, single submitter. Criteria: Invitae Variant Classification Sherloc (09022015). Collection method: clinical testing. Allele origin: germline.

Mayo Clinic Laboratories, Mayo Clinic
Classification: Benign. Last evaluated: 2024-10-31. Review status: criteria provided, single submitter. Criteria: ACMG Guidelines, 2015. Collection method: clinical testing. Allele origin: germline. Observed: 1 variant allele.

Fulgent Genetics
Classification: Likely benign for Parkinson disease 13, autosomal dominant, susceptibility to; 3-methylglutaconic aciduria type 8. Last evaluated: 2021-10-08. Review status: criteria provided, single submitter. Criteria: ACMG Guidelines, 2015. Collection method: clinical testing. Allele origin: unknown.

GeneDx
Classification: Benign. Last evaluated: 2018-06-15. Review status: criteria provided, single submitter. Criteria: GeneDx Variant Classification (06012015). Collection method: clinical testing. Allele origin: germline. Affected: yes.
Comment: This variant is considered likely benign or benign based on one or more of the following criteria: it is a conservative change, it occurs at a poorly conserved position in the protein, it is predicted to be benign by multiple in silico algorithms, and/or has population frequency not consistent with disease.

Illumina Laboratory Services, Illumina
Classification: Benign for Parkinson disease 13, autosomal dominant, susceptibility to. Last evaluated: 2018-01-12. Review status: criteria provided, single submitter. Criteria: ICSL Variant Classification Criteria 13 December 2019. Collection method: clinical testing. Allele origin: germline.
Comment: This variant was observed in the ICSL laboratory as part of a predisposition screen in an ostensibly healthy population. It had not been previously curated by ICSL or reported in the Human Gene Mutation Database (HGMD: prior to June 1st, 2018), and was therefore a candidate for classification through an automated scoring system. Utilizing variant allele frequency, disease prevalence and penetrance estimates, and inheritance mode, an automated score was calculated to assess if this variant is too frequent to cause the disease. Based on the score and internal cut-off values, a variant classified as benign is not then subjected to further curation. The score for this variant resulted in a classification of benign for this disease.

Breakthrough Genomics
Classification: Benign. Review status: criteria provided, single submitter. Criteria: ACMG Guidelines, 2015. Collection method: not provided. Allele origin: germline. Inheritance: Autosomal recessive inheritance. Affected: yes.

PreventionGenetics, part of Exact Sciences
Classification: Benign for HTRA2-related condition. Last evaluated: 2019-04-01. Review status: no assertion criteria provided. Collection method: clinical testing. Allele origin: germline. Not counted in ClinVar's aggregate classification.
Comment: This variant is classified as benign based on ACMG/AMP sequence variant interpretation guidelines (Richards et al. 2015 PMID: 25741868, with internal and published modifications).

NM_013247.5(HTRA2):c.480C>G (p.Ala160=)

Gene: HTRA2 (HtrA serine peptidase 2; plus strand). Cytogenetic location: 2p13.1.
Variant type: single nucleotide variant.
Coding change: c.480C>G on transcript NM_013247.5 (MANE Select); coding-DNA position 480, C replaced by G.
Protein change: p.Ala160=; no amino-acid change (alanine 160 retained).
Molecular consequence: synonymous variant. On other transcripts: non-coding transcript variant (4).
Genome position (GRCh38, 1-based): chr2:74,530,486, C>G. VCF-style: chr2-74530486-C-G. GRCh37 (hg19) VCF-style: chr2-74757613-C-G.
Other names: p.Ala160=; c.480C>G, p.Ala160= (NM_001321727.1, NM_001321728.1, NM_145074.2).
Identifiers: ClinVar variation 337129 (VCV000337129.21), dbSNP rs2231248, ClinGen allele CA1728352.